The following is an entry in ClinVar:

ClinVar aggregate classification (germline): Pathogenic/Likely pathogenic. Review status: criteria provided, multiple submitters, no conflicts (2 of 4 stars). 5 submissions from 4 submitters: Pathogenic (1); Likely pathogenic (2). 2 of the submissions do not count toward it. Last evaluated 2025-12-20.

Conditions:
Peroxisome biogenesis disorder 1B (PBD1B). Also called: PEROXISOME BIOGENESIS DISORDER (NEONATAL ADRENOLEUKODYSTROPHY/INFANTILE REFSUM DISEASE); INFANTILE PHYTANIC ACID STORAGE DISEASE; Refsum disease, infantile form; Infantile Refsum disease; Infantile form of phytanic acid storage disease; PEROXISOME BIOGENESIS DISORDER (NALD/IRD). Identifiers: Orphanet 44, MedGen C0282527, MONDO:0011101, OMIM 601539.
Heimler syndrome 1 (HMLR1). Also called: PEROXISOME BIOGENESIS DISORDER 1C. Identifiers: Orphanet 3220, MedGen C4551980, OMIM 234580, MONDO:0024544.
Peroxisome biogenesis disorder 1A (Zellweger) (PBD1A). Also called: Peroxisome biogenesis disorder 1a; Zellweger leukodystrophy. Identifiers: MedGen C4721541, MONDO:0008953, OMIM 214100.
Zellweger spectrum disorders (ZS). Also called: Zellweger Spectrum Disorder (ZSD); Zellweger syndrome; Zellweger Spectrum Disorder; Zellweger Spectrum. Identifiers: Orphanet 912, MedGen C0043459, MONDO:0019609.
PEX1-related disorder. Also called: PEX1-related condition.

Submissions (5):

Labcorp Genetics (formerly Invitae), Labcorp
Classification: Pathogenic for Zellweger spectrum disorders. Last evaluated: 2025-12-20. Review status: criteria provided, single submitter. Criteria: Invitae Variant Classification Sherloc (09022015). Collection method: clinical testing. Allele origin: germline.
Comment: This sequence change affects the initiator codon of the PEX1 mRNA. This change may impact translation initiation or efficiency. The next in-frame methionine is located at codon 209. This variant is not present in population databases (gnomAD no frequency). Disruption of the initiator codon has been observed in individuals with Zellweger syndrome spectrum disorder (PMID: 21031596). ClinVar contains an entry for this variant (Variation ID: 371688). For these reasons, this variant has been classified as Pathogenic.

PreventionGenetics, part of Exact Sciences
Classification: Likely pathogenic for PEX1-related condition. Last evaluated: 2024-10-16. Review status: criteria provided, single submitter. Criteria: ACMG Guidelines, 2015. Collection method: clinical testing. Allele origin: germline.
Comment: The PEX1 c.2T>G variant is predicted to disrupt the translation initiation site (Start Loss). To our knowledge, this variant has not been reported in the literature or a large population database (gnomAD), indicating this variant is rare. Variants disrupting the initial start codon of PEX1 are expected to be pathogenic (Ebberink et al. 2011. PubMed ID: 21031596). This variant is interpreted as likely pathogenic.

Fulgent Genetics
Classification: Likely pathogenic for Peroxisome biogenesis disorder 1A (Zellweger); Heimler syndrome 1; Peroxisome biogenesis disorder 1B. Last evaluated: 2024-03-14. Review status: criteria provided, single submitter. Criteria: ACMG Guidelines, 2015. Collection method: clinical testing. Allele origin: germline.

Counsyl
Classification: Likely pathogenic for Peroxisome biogenesis disorder 1A (Zellweger). Last evaluated: 2015-11-19. Review status: no assertion criteria provided. Collection method: clinical testing. Allele origin: unknown. Not counted in ClinVar's aggregate classification.

Counsyl
Classification: Likely pathogenic for Peroxisome biogenesis disorder 1B. Last evaluated: 2015-11-19. Review status: no assertion criteria provided. Collection method: clinical testing. Allele origin: unknown. Not counted in ClinVar's aggregate classification.

Literature cited by the submitters: PubMed 21031596 (cited by Labcorp Genetics (formerly Invitae), Labcorp).

NM_000466.3(PEX1):c.2T>G (p.Met1Arg)

Genes: PEX1 (peroxisomal biogenesis factor 1; minus strand), LOC129998796 (ATAC-STARR-seq lymphoblastoid silent region 18372; plus strand). Cytogenetic location: 7q21.2.
Variant type: single nucleotide variant.
Coding change: c.2T>G on transcript NM_000466.3 (MANE Select); coding-DNA position 2, T replaced by G.
Protein change: p.Met1Arg; changes the start codon (methionine 1).
Molecular consequence: missense variant, initiator codon variant. On other transcripts: 5 prime UTR variant (1).
Genome position (GRCh38, 1-based): chr7:92,528,434, A>C on the plus strand (T>G on the coding strand, the complement: PEX1 is on the minus strand). VCF-style: chr7-92528434-A-C. GRCh37 (hg19) VCF-style: chr7-92157748-A-C.
Other names: c.2T>G, p.Met1Arg (NM_001282677.2); c.-658T>G (NM_001282678.2); short protein forms M1R.
Identifiers: ClinVar variation 371688 (VCV000371688.12), dbSNP rs766020928, ClinGen allele CA16041177.